The following is an entry in ClinVar:

ClinVar aggregate classification (germline): Conflicting classifications of pathogenicity. Review status: criteria provided, conflicting classifications (1 of 4 stars). 2 submissions from 2 submitters: Uncertain significance (1); Benign (1). Last evaluated 2018-01-12.

Conditions:
Glomuvenous malformation. Also called: GLOMANGIOMAS, MULTIPLE; GLOMUS TUMORS, MULTIPLE; VENOUS MALFORMATIONS WITH GLOMUS CELLS; Familial glomangioma. Identifiers: Orphanet 83454, MedGen C1841984, MONDO:0007672, OMIM 138000.
Blue rubber bleb nevus. Also called: Blue Rubber Bleb Nevus (BRBN) Syndrome; BEAN SYNDROME. Identifiers: Orphanet 1059, MedGen C0346072, MONDO:0007203, OMIM 112200.

Allele frequency attached by ClinVar (database versions not stated): gnomAD 0.00031 and 0.00038; TOPMed 0.00048; ExAC 0.00085; gnomAD exomes 0.00097; 1000 Genomes Project 30x 0.00141; 1000 Genomes Project 0.00160.
gnomAD v4.1: 465 of 1,612,426 alleles (0.029%); highest among the groups gnomAD compares: East Asian, 0.96%; 1 homozygote.

Submissions (2):

Illumina Laboratory Services, Illumina
Classification: Benign for Glomuvenous malformation. Last evaluated: 2018-01-12. Review status: criteria provided, single submitter. Criteria: ICSL Variant Classification Criteria 13 December 2019. Collection method: clinical testing. Allele origin: germline.
Comment: This variant was observed in the ICSL laboratory as part of a predisposition screen in an ostensibly healthy population. It had not been previously curated by ICSL or reported in the Human Gene Mutation Database (HGMD: prior to June 1st, 2018), and was therefore a candidate for classification through an automated scoring system. Utilizing variant allele frequency, disease prevalence and penetrance estimates, and inheritance mode, an automated score was calculated to assess if this variant is too frequent to cause the disease. Based on the score and internal cut-off values, a variant classified as benign is not then subjected to further curation. The score for this variant resulted in a classification of benign for this disease.

Laboratory of Molecular Genetics, Shanghai Jiao Tong University School of Medicine and Shanghai Institutes for Biological Sciences
Classification: Uncertain significance for Blue rubber bleb nevus. Review status: criteria provided, single submitter. Criteria: ACMG Guidelines, 2015. Collection method: research, in vitro. Allele origin: germline, not applicable. Inheritance: Sporadic. Affected: yes. Observed: 1 variant allele, 1 heterozygote.

NM_053274.3(GLMN):c.761C>G (p.Pro254Arg)

Gene: GLMN (glomulin, FKBP associated protein; minus strand). Cytogenetic location: 1p22.1.
Variant type: single nucleotide variant.
Coding change: c.761C>G on transcript NM_053274.3 (MANE Select); coding-DNA position 761, C replaced by G.
Protein change: p.Pro254Arg; replaces proline 254 with arginine.
Molecular consequence: missense variant. On other transcripts: non-coding transcript variant (1).
Genome position (GRCh38, 1-based): chr1:92,271,627, G>C on the plus strand (C>G on the coding strand, the complement: GLMN is on the minus strand). VCF-style: chr1-92271627-G-C. GRCh37 (hg19) VCF-style: chr1-92737184-G-C.
Other names: c.761C>G, p.Pro254Arg (NM_001319683.2); short protein forms P254R.
Identifiers: ClinVar variation 298140 (VCV000298140.7), dbSNP rs145762716, ClinGen allele CA950489.
Genomic context (GRCh38, chr1:92,271,627, plus strand): 5'-AATTCAAGGTAATTCCAAGTTCTCTTTTTCCTTCCATGATTAAAAATCATTTTGGGGAAA[G>C]GGTGTCCAATTGCTGATAAAAAACCCTATGAAATGGATAAAAAAGGAAACCATAGCACAC-3'
Protein context (NP_444504.1, residues 244-264): IIGFLSAIGH[Pro254Arg]FPKMIFNHGR